The following is an entry in ClinVar:

NM_173551.5(ANKS6):c.968A>G (p.Asn323Ser)

Gene: ANKS6 (ankyrin repeat and sterile alpha motif domain containing 6; minus strand). Cytogenetic location: 9q22.33.
Variant type: single nucleotide variant.
Coding change: c.968A>G on transcript NM_173551.5 (MANE Select); coding-DNA position 968, A replaced by G.
Protein change: p.Asn323Ser; replaces asparagine 323 with serine.
Molecular consequence: missense variant.
Genome position (GRCh38, 1-based): chr9:98,784,097, T>C on the plus strand (A>G on the coding strand, the complement: ANKS6 is on the minus strand). VCF-style: chr9-98784097-T-C. GRCh37 (hg19) VCF-style: chr9-101546379-T-C.
Other names: short protein forms N323S.
Identifiers: ClinVar variation 1031715 (VCV001031715.10), dbSNP rs368427707, ClinGen allele CA5153667.

ClinVar aggregate classification (germline): Uncertain significance. Review status: criteria provided, multiple submitters, no conflicts (2 of 4 stars). 3 submissions from 3 submitters: Uncertain significance (3). Last evaluated 2023-12-11.

Conditions:
Nephronophthisis 16 (NPHP16). Identifiers: Orphanet 655, MedGen C3809320, MONDO:0014158, OMIM 615382.

Allele frequency attached by ClinVar (database versions not stated): gnomAD exomes 0.00005 and 0.00014; TOPMed 0.00005; gnomAD 0.00008; ExAC 0.00012; 1000 Genomes Project 0.00020; ESP Exome Variant Server 0.00024; 1000 Genomes Project 30x 0.00031.
gnomAD v4.1: 80 of 1,587,244 alleles (0.005%); highest among the groups gnomAD compares: South Asian, 0.011%; no homozygotes.

Submissions (3):

Labcorp Genetics (formerly Invitae), Labcorp
Classification: Uncertain significance for Nephronophthisis 16. Last evaluated: 2023-12-11. Review status: criteria provided, single submitter. Criteria: Invitae Variant Classification Sherloc (09022015). Collection method: clinical testing. Allele origin: germline.
Comment: This sequence change replaces asparagine, which is neutral and polar, with serine, which is neutral and polar, at codon 323 of the ANKS6 protein (p.Asn323Ser). The frequency data for this variant in the population databases is considered unreliable, as metrics indicate poor data quality at this position in the gnomAD database. This variant has not been reported in the literature in individuals affected with ANKS6-related conditions. ClinVar contains an entry for this variant (Variation ID: 1031715). An algorithm developed to predict the effect of missense changes on protein structure and function (PolyPhen-2) suggests that this variant is likely to be tolerated. In summary, the available evidence is currently insufficient to determine the role of this variant in disease. Therefore, it has been classified as a Variant of Uncertain Significance.

GeneDx
Classification: Uncertain significance. Last evaluated: 2020-01-28. Review status: criteria provided, single submitter. Criteria: GeneDx Variant Classification Process June 2021. Collection method: clinical testing. Allele origin: germline. Affected: yes.
Comment: In silico analysis supports that this missense variant does not alter protein structure/function; In silico analysis suggests this variant may impact gene splicing. In the absence of RNA/functional studies, the actual effect of this sequence change is unknown; Has not been previously published as pathogenic or benign to our knowledge

Baylor Genetics
Classification: Uncertain significance for Nephronophthisis 16. Last evaluated: 2018-05-18. Review status: criteria provided, single submitter. Criteria: ACMG Guidelines, 2015. Collection method: clinical testing. Allele origin: paternal. Affected: yes.
Comment: This variant was determined to be of uncertain significance according to ACMG Guidelines, 2015 [PMID:25741868].